The following is an entry in ClinVar:

ClinVar aggregate classification (germline): Likely benign. Review status: criteria provided, multiple submitters, no conflicts (2 of 4 stars). 2 submissions from 2 submitters: Likely benign (2). Last evaluated 2025-08-17.

Allele frequency attached by ClinVar (database versions not stated): gnomAD exomes 0.00011 and 0.00022; ExAC 0.00021; 1000 Genomes Project 30x 0.00031; 1000 Genomes Project 0.00040; gnomAD 0.00082 and 0.00095; TOPMed 0.00098; ESP Exome Variant Server 0.00100.
gnomAD v4.1: 287 of 1,613,568 alleles (0.018%); highest among the groups gnomAD compares: African/African-American, 0.34%; no homozygotes.

Submissions (2):

Labcorp Genetics (formerly Invitae), Labcorp
Classification: Likely benign. Last evaluated: 2025-08-17. Review status: criteria provided, single submitter. Criteria: Invitae Variant Classification Sherloc (09022015). Collection method: clinical testing. Allele origin: germline.

CeGaT Center for Human Genetics Tuebingen
Classification: Likely benign. Last evaluated: 2022-08-01. Review status: criteria provided, single submitter. Criteria: CeGaT Center For Human Genetics Tuebingen Variant Classification Criteria Version 2. Collection method: clinical testing. Allele origin: germline. Affected: yes. Observed: 1 variant allele.
Comment: SIPA1L3: BP4

NM_015073.3(SIPA1L3):c.1665+5G>C

Gene: SIPA1L3 (signal induced proliferation associated 1 like 3; plus strand). Cytogenetic location: 19q13.13.
Variant type: single nucleotide variant.
Coding change: c.1665+5G>C on transcript NM_015073.3 (MANE Select); 5 bases into the intron after coding-DNA position 1665, G replaced by C.
Molecular consequence: intron variant.
Genome position (GRCh38, 1-based): chr19:38,088,856, G>C. VCF-style: chr19-38088856-G-C. GRCh37 (hg19) VCF-style: chr19-38579496-G-C.
Identifiers: ClinVar variation 1565105 (VCV001565105.31), dbSNP rs143100081, ClinGen allele CA9409435.
Genomic context (GRCh38, chr19:38,088,856, plus strand): 5'-ACCACAAGGAGCACGGACCTCAGTACCAGTACAGGATCATCTTCCGGACCCGCGAGGTAG[G>C]TCCCATCACTCTCGTTCTTATTAAAGAAATCATAGCCACTCACATCTCGAGCCAGGTTCT-3'